The following is an entry in ClinVar:

NM_001376.5(DYNC1H1):c.2431G>A (p.Glu811Lys)

Gene: DYNC1H1 (dynein cytoplasmic 1 heavy chain 1; plus strand). Cytogenetic location: 14q32.31.
Variant type: single nucleotide variant.
Coding change: c.2431G>A on transcript NM_001376.5 (MANE Select); coding-DNA position 2431, G replaced by A.
Protein change: p.Glu811Lys; replaces glutamic acid 811 with lysine.
Molecular consequence: missense variant.
Genome position (GRCh38, 1-based): chr14:101,986,656, G>A. VCF-style: chr14-101986656-G-A. GRCh37 (hg19) VCF-style: chr14-102452993-G-A.
Other names: short protein forms E811K.
Identifiers: ClinVar variation 1706824 (VCV001706824.3), dbSNP rs2503696357, ClinGen allele CA391023796.
Genomic context (GRCh38, chr14:101,986,656, plus strand): 5'-ACCTGCGAGAAGGTGGAGGAGCGGAACACCATTTCCCTTTTGGTGGCTGGCTTGAAAAAG[G>A]AAGTGCAGGCCCTGATCGCAGAAGGCATTGCGTTGGTGTGGGAGTCCTACAAACTTGACC-3'
Protein context (NP_001367.2, residues 801-821): ISLLVAGLKK[Glu811Lys]VQALIAEGIA

ClinVar aggregate classification (germline): Uncertain significance. Review status: criteria provided, multiple submitters, no conflicts (2 of 4 stars). 2 submissions from 2 submitters: Uncertain significance (2). Last evaluated 2025-08-13.

Conditions:
Inborn genetic diseases. Identifiers: MedGen C0950123, MeSH D030342.

Submissions (2):

Ambry Genetics
Classification: Uncertain significance for Inborn genetic diseases. Last evaluated: 2025-08-13. Review status: criteria provided, single submitter. Criteria: Ambry Variant Classification Scheme 2023. Collection method: clinical testing. Allele origin: germline.

GeneDx
Classification: Uncertain significance. Last evaluated: 2022-09-29. Review status: criteria provided, single submitter. Criteria: GeneDx Variant Classification Process June 2021. Collection method: clinical testing. Allele origin: germline. Affected: yes.
Comment: Not observed at significant frequency in large population cohorts (gnomAD); In silico analysis supports that this missense variant has a deleterious effect on protein structure/function; Has not been previously published as pathogenic or benign to our knowledge; This variant is associated with the following publications: (PMID: 26100331, 25609763, 25512093)